The following is an entry in ClinVar:

ClinVar aggregate classification (germline): Uncertain significance (1 of 4 stars; one submission).

Conditions:
EYA4-related disorder. Also called: EYA4-related condition; EYA4-related disorders. Identifiers: MedGen CN239388.

Submission:

PreventionGenetics, part of Exact Sciences
Classification: Uncertain significance for EYA4-related condition. Last evaluated: 2023-04-05. Review status: criteria provided, single submitter. Criteria: ACMG Guidelines, 2015. Collection method: clinical testing. Allele origin: germline.
Comment: The EYA4 c.1810G>A variant is predicted to result in the amino acid substitution p.Gly604Ser. To our knowledge, this variant has not been reported in the literature or in a large population database, indicating this variant is rare. At this time, the clinical significance of this variant is uncertain due to the absence of conclusive functional and genetic evidence.

NM_004100.5(EYA4):c.1810G>A (p.Gly604Ser)

Genes: EYA4 (EYA transcriptional coactivator and phosphatase 4; plus strand), TARID (TCF21 antisense RNA inducing promoter demethylation; minus strand). Cytogenetic location: 6q23.2.
Variant type: single nucleotide variant.
Coding change: c.1810G>A on transcript NM_004100.5 (MANE Select); coding-DNA position 1810, G replaced by A.
Protein change: p.Gly604Ser; replaces glycine 604 with serine.
Molecular consequence: missense variant. On other transcripts: intron variant (3).
Genome position (GRCh38, 1-based): chr6:133,525,225, G>A. VCF-style: chr6-133525225-G-A. GRCh37 (hg19) VCF-style: chr6-133846363-G-A.
Other names: c.1828G>A, p.Gly610Ser (NM_001301013.2); c.1666G>A, p.Gly556Ser (NM_001370459.1); c.1741G>A, p.Gly581Ser (NM_172103.4); c.1839+110G>A (NM_172105.4); c.1770+110G>A (NM_001370458.1); c.1677+110G>A (NM_001301012.2); short protein forms G556S, G581S, G604S, G610S.
Identifiers: ClinVar variation 2633777 (VCV002633777.1), dbSNP rs1270529417, ClinGen allele CA365700871.